The following is an entry in ClinVar:

NM_001009944.3(PKD1):c.2791C>G (p.Pro931Ala)

Gene: PKD1 (polycystin 1, transient receptor potential channel interacting; minus strand). Cytogenetic location: 16p13.3.
Variant type: single nucleotide variant.
Coding change: c.2791C>G on transcript NM_001009944.3 (MANE Select); coding-DNA position 2791, C replaced by G.
Protein change: p.Pro931Ala; replaces proline 931 with alanine.
Molecular consequence: missense variant.
Genome position (GRCh38, 1-based): chr16:2,114,232, G>C on the plus strand (C>G on the coding strand, the complement: PKD1 is on the minus strand). VCF-style: chr16-2114232-G-C. GRCh37 (hg19) VCF-style: chr16-2164233-G-C.
Other names: c.2791C>G, p.Pro931Ala (NM_000296.4); short protein forms P931A.
Identifiers: ClinVar variation 4996120 (VCV004996120.1).

ClinVar aggregate classification (germline): Uncertain significance (1 of 4 stars; one submission).

Conditions:
PKD1-related disorder. Also called: PKD1-related condition.

gnomAD v4.1: 10 of 1,609,576 alleles (0.00062%); highest among the groups gnomAD compares: Non-Finnish European, 0.00085%; no homozygotes.

Submission:

PreventionGenetics, part of Exact Sciences
Classification: Uncertain significance for PKD1-related condition. Last evaluated: 2026-03-28. Review status: criteria provided, single submitter. Criteria: ACMG Guidelines, 2015. Collection method: clinical testing. Allele origin: germline.
Comment: The PKD1 c.2791C>G variant is predicted to result in the amino acid substitution p.Pro931Ala. To our knowledge, this variant has not been reported in the literature or in a large population database (gnomAD), indicating this variant is rare. At this time, the clinical significance of this variant is uncertain due to the absence of conclusive functional and genetic evidence.